The following is an entry in ClinVar:

ClinVar aggregate classification (germline): Uncertain significance (1 of 4 stars; one submission).

Allele frequency attached by ClinVar (database versions not stated): TOPMed below 0.00001; gnomAD 0.00001; gnomAD exomes 0.00004 and 0.00006; ExAC 0.00006.

Submission:

GeneDx
Classification: Uncertain significance. Last evaluated: 2019-05-20. Review status: criteria provided, single submitter. Criteria: GeneDx Variant Classification Process June 2021. Collection method: clinical testing. Allele origin: germline. Affected: yes.
Comment: In silico analysis, which includes protein predictors and evolutionary conservation, supports that this variant does not alter protein structure/function; Has not been previously published as pathogenic or benign to our knowledge

NM_001142784.3(IL11RA):c.710G>A (p.Arg237Gln)

Gene: IL11RA (interleukin 11 receptor subunit alpha; plus strand). Cytogenetic location: 9p13.3.
Variant type: single nucleotide variant.
Coding change: c.710G>A on transcript NM_001142784.3 (MANE Select); coding-DNA position 710, G replaced by A.
Protein change: p.Arg237Gln; replaces arginine 237 with glutamine.
Molecular consequence: missense variant. On other transcripts: non-coding transcript variant (1).
Genome position (GRCh38, 1-based): chr9:34,658,583, G>A. VCF-style: chr9-34658583-G-A. GRCh37 (hg19) VCF-style: chr9-34658580-G-A.
Other names: short protein forms R237Q.
Identifiers: ClinVar variation 1305704 (VCV001305704.2), dbSNP rs762758259, ClinGen allele CA5036573.